The following continues an entry in ClinVar:

NM_000059.4(BRCA2):c.6952C>T (p.Arg2318Ter)

Gene: BRCA2. ClinVar aggregate classification (germline): Pathogenic. Pathogenic (1).

Submissions 28 to 42 of 42:

GeneDx
Classification: Pathogenic. Last evaluated: 2017-07-14. Review status: criteria provided, single submitter. Criteria: GeneDx Variant Classification (06012015). Collection method: clinical testing. Allele origin: germline. Affected: yes. Not counted in ClinVar's aggregate classification.
Comment: This pathogenic variant is denoted BRCA2 c.6952C>T at the cDNA level and p.Arg2318Ter (R2318X) at the protein level. The substitution creates a nonsense variant, changing an Arginine to a premature stop codon (CGA>TGA). This variant is predicted to cause loss of normal protein function through either protein truncation or nonsense-mediated mRNA decay. This variant, also known as BRCA2 7180C>T using alternate nomenclature, has been observed in individuals with breast, ovarian, pancreatic, and/or prostate cancer (Sugano 2008, Kim 2012, Hasmad 2015, Hirotsu 2015, Takai 2016, Annala 2017). We consider this variant to be pathogenic.

Laboratory of Molecular Diagnosis of Cancer, West China Hospital, Sichuan University
Classification: Pathogenic for Breast neoplasm. Last evaluated: 2015-11-01. Review status: criteria provided, single submitter. Criteria: ACMG Guidelines, 2015. Collection method: research. Allele origin: somatic. Affected: yes. Observed: 1 variant allele. Not counted in ClinVar's aggregate classification.

Consortium of Investigators of Modifiers of BRCA1/2 (CIMBA), c/o University of Cambridge
Classification: Pathogenic for Breast-ovarian cancer, familial, susceptibility to, 2. Last evaluated: 2015-10-02. Review status: criteria provided, single submitter. Criteria: CIMBA Mutation Classification guidelines May 2016. Collection method: clinical testing. Allele origin: germline. Not counted in ClinVar's aggregate classification.

Clinical Genetics DNA and cytogenetics Diagnostics Lab, Erasmus MC, Erasmus Medical Center
Classification: Pathogenic for Breast-ovarian cancer, familial, susceptibility to, 2. Last evaluated: 2015-09-21. Review status: criteria provided, single submitter. Criteria: ACGS Guidelines, 2013. Collection method: clinical testing. Allele origin: germline. Affected: yes. Study: VKGL Data-share Consensus. Not counted in ClinVar's aggregate classification.

Genesis Genomics
Classification: Pathogenic for Breast-ovarian cancer, familial, susceptibility to, 2. Review status: criteria provided, single submitter. Criteria: ACMG Guidelines, 2015. Collection method: clinical testing. Allele origin: germline. Affected: yes. Observed: 1 variant allele. Not counted in ClinVar's aggregate classification.

Juno Genomics, Hangzhou Juno Genomics, Inc
Classification: Pathogenic for Breast-ovarian cancer, familial, susceptibility to, 2. Review status: criteria provided, single submitter. Criteria: ACMG Guidelines, 2015. Collection method: clinical testing. Allele origin: germline. Not counted in ClinVar's aggregate classification.
Comment: Null variant in a gene where loss of function (LOF) is a known mechanism of disease.;Novel missense change at an amino acid residue where a different missense change determined to be pathogenic has been seen before.

Laboratory for Genotyping Development, RIKEN
Classification: Pathogenic for Gastric cancer. Last evaluated: 2021-07-01. Review status: no assertion criteria provided. Collection method: research. Allele origin: germline. Not counted in ClinVar's aggregate classification.

BRCAlab, Lund University
Classification: Pathogenic for Breast-ovarian cancer, familial, susceptibility to, 2. Last evaluated: 2020-03-02. Review status: no assertion criteria provided. Collection method: clinical testing. Allele origin: germline. Affected: yes. Not counted in ClinVar's aggregate classification.

German Consortium for Hereditary Breast and Ovarian Cancer, University Hospital Cologne
Classification: Pathogenic for Ovarian neoplasm. Last evaluated: 2018-12-01. Review status: no assertion criteria provided. Collection method: research. Allele origin: germline. Affected: yes. Not counted in ClinVar's aggregate classification.

Research Molecular Genetics Laboratory, Women's College Hospital, University of Toronto
Classification: Pathogenic for Hereditary breast ovarian cancer syndrome. Last evaluated: 2014-01-31. Review status: no assertion criteria provided. Collection method: research. Allele origin: germline. Affected: yes. Study: The Canadian Open Genetics Repository (COGR). Not counted in ClinVar's aggregate classification.

Sharing Clinical Reports Project (SCRP)
Classification: Pathogenic for Breast-ovarian cancer, familial 2. Last evaluated: 2012-10-09. Review status: no assertion criteria provided. Collection method: clinical testing. Allele origin: germline. Not counted in ClinVar's aggregate classification.

Breast Cancer Information Core (BIC) (BRCA2)
Classification: Pathogenic for Breast-ovarian cancer, familial 2. Last evaluated: 2002-05-29. Review status: no assertion criteria provided. Collection method: clinical testing. Allele origin: germline. Affected: yes. Observed: 5 variant alleles. Not counted in ClinVar's aggregate classification.

Clinical Genetics Laboratory, Department of Pathology, Netherlands Cancer Institute
Classification: Pathogenic. Review status: no assertion criteria provided. Collection method: clinical testing. Allele origin: germline. Affected: yes. Study: VKGL Data-share Consensus. Not counted in ClinVar's aggregate classification.

Diagnostic Laboratory, Department of Genetics, University Medical Center Groningen
Classification: Pathogenic for Breast-ovarian cancer, familial, susceptibility to, 2. Review status: no assertion criteria provided. Collection method: clinical testing. Allele origin: germline. Affected: yes. Study: VKGL Data-share Consensus. Not counted in ClinVar's aggregate classification.

Joint Genome Diagnostic Labs from Nijmegen and Maastricht, Radboudumc and MUMC+
Classification: Pathogenic. Review status: no assertion criteria provided. Collection method: clinical testing. Allele origin: germline. Affected: yes. Study: VKGL Data-share Consensus. Not counted in ClinVar's aggregate classification.

Literature cited by the submitters: PubMed 20104584 (cited by Labcorp Genetics (formerly Invitae), Labcorp); PubMed 19016756 (cited by 5 submitters); PubMed 22217648 (cited by 5 submitters); PubMed 25802882 (cited by 6 submitters); PubMed 25863477 (cited by 4 submitters); PubMed 26187060 (cited by 3 submitters); PubMed 27732944 (cited by 5 submitters); PubMed 10644434 (cited by 3 submitters); PubMed 26541979 (cited by 4 submitters); PubMed 28541631 (cited by 3 submitters); PubMed 35557031 (cited by Dasa); PubMed 29907814 (cited by Dasa); PubMed 22798144 (cited by Quest Diagnostics Nichols Institute San Juan Capistrano); PubMed 27257965 (cited by Quest Diagnostics Nichols Institute San Juan Capistrano and Laboratory of Molecular Diagnosis of Cancer, West China Hospital, Sichuan University); PubMed 38355628 (cited by Quest Diagnostics Nichols Institute San Juan Capistrano); PubMed 37791389 (cited by Quest Diagnostics Nichols Institute San Juan Capistrano); PubMed 38409497 (cited by Quest Diagnostics Nichols Institute San Juan Capistrano); PubMed 38480854 (cited by Quest Diagnostics Nichols Institute San Juan Capistrano); PubMed 37916805 (cited by Quest Diagnostics Nichols Institute San Juan Capistrano); PubMed 11149425 (cited by 3 submitters); PubMed 11802209 (cited by 3 submitters); PubMed 30792206 (cited by Laboratory for Molecular Medicine, Mass General Brigham Personalized Medicine); PubMed 36988593 (cited by Laboratory for Genotyping Development, RIKEN).